The following is an entry in ClinVar:

ClinVar aggregate classification (germline): Likely benign. Review status: criteria provided, single submitter (1 of 4 stars). 2 submissions from 2 submitters: Likely benign (1). 1 of the submissions does not count toward it. Last evaluated 2019-12-31.

Conditions:
P2RY11-related disorder. Also called: P2RY11-related condition.

Allele frequency attached by ClinVar (database versions not stated): gnomAD exomes 0.00015; ExAC 0.00020; gnomAD 0.00022 and 0.00025; TOPMed 0.00032; ESP Exome Variant Server 0.00046; 1000 Genomes Project 0.00060; 1000 Genomes Project 30x 0.00094.

Submissions (2):

Labcorp Genetics (formerly Invitae), Labcorp
Classification: Likely benign. Last evaluated: 2019-12-31. Review status: criteria provided, single submitter. Criteria: Invitae Variant Classification Sherloc (09022015). Collection method: clinical testing. Allele origin: germline.

PreventionGenetics, part of Exact Sciences
Classification: Likely benign for P2RY11-related condition. Last evaluated: 2019-05-21. Review status: no assertion criteria provided. Collection method: clinical testing. Allele origin: germline. Not counted in ClinVar's aggregate classification.
Comment: This variant is classified as likely benign based on ACMG/AMP sequence variant interpretation guidelines (Richards et al. 2015 PMID: 25741868, with internal and published modifications).

NM_002566.5(P2RY11):c.849G>A (p.Pro283=)

Genes: P2RY11 (purinergic receptor P2Y11; plus strand), PPAN-P2RY11 (PPAN-P2RY11 readthrough; plus strand). Cytogenetic location: 19p13.2.
Variant type: single nucleotide variant.
Coding change: c.849G>A on transcript NM_002566.5 (MANE Select); coding-DNA position 849, G replaced by A.
Protein change: p.Pro283=; no amino-acid change (proline 283 retained).
Molecular consequence: synonymous variant. On other transcripts: 3 prime UTR variant (1).
Genome position (GRCh38, 1-based): chr19:10,114,462, G>A. VCF-style: chr19-10114462-G-A. GRCh37 (hg19) VCF-style: chr19-10225138-G-A.
Other names: c.2109G>A, p.Pro703= (NM_001040664.3); c.*608G>A (NM_001198690.2).
Identifiers: ClinVar variation 716471 (VCV000716471.6), dbSNP rs111752629, ClinGen allele CA9186593.